The following is an entry in ClinVar:

ClinVar aggregate classification (germline): Uncertain significance (1 of 4 stars; one submission).

Conditions:
Cardiovascular phenotype. Identifiers: MedGen CN230736.

Allele frequency attached by ClinVar (database versions not stated): gnomAD 0.00001; gnomAD exomes 0.00001; TOPMed 0.00002.
gnomAD v4.1: 23 of 1,613,228 alleles (0.0014%); highest among the groups gnomAD compares: Non-Finnish European, 0.0019%; no homozygotes.

Submission:

Ambry Genetics
Classification: Uncertain significance for Cardiovascular phenotype. Last evaluated: 2020-03-23. Review status: criteria provided, single submitter. Criteria: Ambry Variant Classification Scheme 2023. Collection method: clinical testing. Allele origin: germline.
Comment: The p.Q9895R variant (also known as c.29684A>G), located in coding exon 118 of the TTN gene, results from an A to G substitution at nucleotide position 29684. The glutamine at codon 9895 is replaced by arginine, an amino acid with highly similar properties. This amino acid position is well conserved in available vertebrate species. In addition, this alteration is predicted to be tolerated by in silico analysis. Since supporting evidence is limited at this time, the clinical significance of this alteration remains unclear.

NM_001267550.2(TTN):c.56879A>G (p.Gln18960Arg)

Genes: TTN (titin; minus strand), TTN-AS1 (TTN antisense RNA 1; plus strand). Cytogenetic location: 2q31.2.
Variant type: single nucleotide variant.
Coding change: c.56879A>G on transcript NM_001267550.2 (MANE Select); coding-DNA position 56879, A replaced by G.
Protein change: p.Gln18960Arg; replaces glutamine 18960 with arginine.
Molecular consequence: missense variant.
Genome position (GRCh38, 1-based): chr2:178,598,831, T>C on the plus strand (A>G on the coding strand, the complement: TTN is on the minus strand). VCF-style: chr2-178598831-T-C. GRCh37 (hg19) VCF-style: chr2-179463558-T-C.
Other names: c.51956A>G, p.Gln17319Arg (NM_001256850.1); c.29684A>G, p.Gln9895Arg (NM_003319.4); c.49175A>G, p.Gln16392Arg (NM_133378.4); c.30059A>G, p.Gln10020Arg (NM_133432.3); c.30260A>G, p.Gln10087Arg (NM_133437.4); short protein forms Q18960R, Q9895R, Q10020R, Q10087R, Q16392R, Q17319R.
Identifiers: ClinVar variation 1798239 (VCV001798239.2), dbSNP rs1250731428, ClinGen allele CA349525903.